The following is an entry in ClinVar:

NM_004385.5(VCAN):c.5603G>A (p.Gly1868Asp)

Genes: VCAN-AS1 (VCAN antisense RNA 1; minus strand), VCAN (versican; plus strand). Cytogenetic location: 5q14.3.
Variant type: single nucleotide variant.
Coding change: c.5603G>A on transcript NM_004385.5 (MANE Select); coding-DNA position 5603, G replaced by A.
Protein change: p.Gly1868Asp; replaces glycine 1868 with aspartic acid.
Molecular consequence: missense variant. On other transcripts: intron variant (2).
Genome position (GRCh38, 1-based): chr5:83,538,606, G>A. VCF-style: chr5-83538606-G-A. GRCh37 (hg19) VCF-style: chr5-82834425-G-A.
Other names: c.5603G>A (NM_004385.4); c.2642G>A, p.Gly881Asp (NM_001164097.2); c.4004-6931G>A (NM_001164098.2); c.1043-6931G>A (NM_001126336.3); short protein forms G881D, G1868D.
Identifiers: ClinVar variation 2149521 (VCV002149521.5), dbSNP rs139870889, ClinGen allele CA3333355.
Genomic context (GRCh38, chr5:83,538,606, plus strand): 5'-CTGTTTCTTCATTTTCATTAAACGTAGAGTATGCAATTCAAGCCGAAAAGGAAGTAGCTG[G>A]CACTTTGTCTCCGCATGTGGAAACTACATTCTCCACTGAGCCAACAGGACTGGTTTTGAG-3'
Protein context (NP_004376.2, residues 1858-1878): YAIQAEKEVA[Gly1868Asp]TLSPHVETTF

ClinVar aggregate classification (germline): Uncertain significance. Review status: criteria provided, multiple submitters, no conflicts (2 of 4 stars). 2 submissions from 2 submitters: Uncertain significance (2). Last evaluated 2026-01-18.

Conditions:
Inborn genetic diseases. Identifiers: MedGen C0950123, MeSH D030342.

Allele frequency attached by ClinVar (database versions not stated): ExAC 0.00002; gnomAD 0.00003; TOPMed 0.00005; ESP Exome Variant Server 0.00008.
gnomAD v4.1: 20 of 1,613,922 alleles (0.0012%); highest among the groups gnomAD compares: African/African-American, 0.011%; no homozygotes.

Submissions (2):

Labcorp Genetics (formerly Invitae), Labcorp
Classification: Uncertain significance. Last evaluated: 2026-01-18. Review status: criteria provided, single submitter. Criteria: Invitae Variant Classification Sherloc (09022015). Collection method: clinical testing. Allele origin: germline.
Comment: This sequence change replaces glycine, which is neutral and non-polar, with aspartic acid, which is acidic and polar, at codon 1868 of the VCAN protein (p.Gly1868Asp). The frequency data for this variant in the population databases is considered unreliable, as metrics indicate poor data quality at this position in the gnomAD database. This variant has not been reported in the literature in individuals affected with VCAN-related conditions. ClinVar contains an entry for this variant (Variation ID: 2149521). An algorithm developed to predict the effect of missense changes on protein structure and function (PolyPhen-2) suggests that this variant is likely to be tolerated. In summary, the available evidence is currently insufficient to determine the role of this variant in disease. Therefore, it has been classified as a Variant of Uncertain Significance.

Ambry Genetics
Classification: Uncertain significance for Inborn genetic diseases. Last evaluated: 2021-12-07. Review status: criteria provided, single submitter. Criteria: Ambry Variant Classification Scheme 2023. Collection method: clinical testing. Allele origin: germline.